The following is an entry in ClinVar:

NM_021076.4(NEFH):c.2122_2123delinsAA (p.Ala708Asn)

Gene: NEFH (neurofilament heavy chain; plus strand). Cytogenetic location: 22q12.2.
Variant type: Indel.
Coding change: c.2122_2123delinsAA on transcript NM_021076.4 (MANE Select); coding-DNA positions 2122 to 2123, GC replaced by AA.
Protein change: p.Ala708Asn; replaces alanine 708 with asparagine.
Molecular consequence: missense variant.
Genome position (GRCh38, 1-based): chr22:29,489,762-29,489,763, GC replaced by AA. VCF-style: chr22-29489762-GC-AA. GRCh37 (hg19) VCF-style: chr22-29885751-GC-AA.
Other names: short protein forms A708N.
Identifiers: ClinVar variation 1786261 (VCV001786261.4), dbSNP rs2517978426, ClinGen allele CA2580099478.

ClinVar aggregate classification (germline): Uncertain significance. Review status: criteria provided, multiple submitters, no conflicts (2 of 4 stars). 2 submissions from 2 submitters: Uncertain significance (2). Last evaluated 2024-07-30.

Conditions:
Inborn genetic diseases. Identifiers: MedGen C0950123, MeSH D030342.

Submissions (2):

Labcorp Genetics (formerly Invitae), Labcorp
Classification: Uncertain significance. Last evaluated: 2024-07-30. Review status: criteria provided, single submitter. Criteria: Invitae Variant Classification Sherloc (09022015). Collection method: clinical testing. Allele origin: germline.
Comment: This sequence change replaces alanine, which is neutral and non-polar, with asparagine, which is neutral and polar, at codon 708 of the NEFH protein (p.Ala708Asn). Information on the frequency of this variant in the gnomAD database is not available, as this variant may be reported differently in the database. This variant has not been reported in the literature in individuals affected with NEFH-related conditions. ClinVar contains an entry for this variant (Variation ID: 1786261). An algorithm developed to predict the effect of missense changes on protein structure and function (PolyPhen-2) suggests that this variant is likely to be disruptive. In summary, the available evidence is currently insufficient to determine the role of this variant in disease. Therefore, it has been classified as a Variant of Uncertain Significance.

Ambry Genetics
Classification: Uncertain significance for Inborn genetic diseases. Last evaluated: 2019-11-06. Review status: criteria provided, single submitter. Criteria: Ambry Variant Classification Scheme 2023. Collection method: clinical testing. Allele origin: germline.
Comment: The c.2122_2123delGCinsAA variant, located in coding exon 4 of the NEFH gene, results from an in-frame deletion of GC and insertion of AA at nucleotide positions 2122 to 2123. This results in the substitution of the alanine residue for an asparagine residue at codon 708, an amino acid with dissimilar properties. This amino acid position is highly conserved in available vertebrate species. Since supporting evidence is limited at this time, the clinical significance of this alteration remains unclear.